The following is an entry in ClinVar:

ClinVar aggregate classification (germline): Uncertain significance (1 of 4 stars; one submission).

Conditions:
Hereditary cancer-predisposing syndrome. Also called: Neoplastic Syndromes, Hereditary; Tumor predisposition; Hereditary Cancer Syndrome; Hereditary neoplastic syndrome. Identifiers: Orphanet 140162, MedGen C0027672, MeSH D009386, MONDO:0015356.

Submission:

Ambry Genetics
Classification: Uncertain significance for Hereditary cancer-predisposing syndrome. Last evaluated: 2022-08-17. Review status: criteria provided, single submitter. Criteria: Ambry Variant Classification Scheme 2023. Collection method: clinical testing. Allele origin: germline.
Comment: The p.N244T variant (also known as c.731A>C), located in coding exon 8 of the CDC73 gene, results from an A to C substitution at nucleotide position 731. The asparagine at codon 244 is replaced by threonine, an amino acid with similar properties. This amino acid position is conserved. In addition, this alteration is predicted to be tolerated by in silico analysis. Since supporting evidence is limited at this time, the clinical significance of this alteration remains unclear.

NM_024529.5(CDC73):c.731A>C (p.Asn244Thr)

Gene: CDC73 (cell division cycle 73; plus strand). Cytogenetic location: 1q31.2.
Variant type: single nucleotide variant.
Coding change: c.731A>C on transcript NM_024529.5 (MANE Select); coding-DNA position 731, A replaced by C.
Protein change: p.Asn244Thr; replaces asparagine 244 with threonine.
Molecular consequence: missense variant.
Genome position (GRCh38, 1-based): chr1:193,147,868, A>C. VCF-style: chr1-193147868-A-C. GRCh37 (hg19) VCF-style: chr1-193116998-A-C.
Other names: short protein forms N244T.
Identifiers: ClinVar variation 1758293 (VCV001758293.2), dbSNP rs368199363, ClinGen allele CA343963763.
Genomic context (GRCh38, chr1:193,147,868, plus strand): 5'-AACTAAATTTACTATTGTATATTTAAAGTGGGCTTAATTAAAATCCATTTATATTTTAGA[A>C]TTTTTCCAAGAACATTTTTGCAATTCTTCAATCTGTAAAAGCCAGAGAAGAAGGGCGTGC-3'
Protein context (NP_078805.3, residues 234-254): RTTILQSTGK[Asn244Thr]FSKNIFAILQ